The following is an entry in ClinVar:

ClinVar aggregate classification (germline): Likely pathogenic. Review status: criteria provided, multiple submitters, no conflicts (2 of 4 stars). 3 submissions from 3 submitters: Likely pathogenic (3). Last evaluated 2025-01-17.

Conditions:
Congenital microcephaly - severe encephalopathy - progressive cerebral atrophy syndrome. Also called: ASNS DEFICIENCY; Asparagine synthetase deficiency. Identifiers: Orphanet 391376, MedGen C3809971, MONDO:0014258, OMIM 615574.

Submissions (3):

Natera, Inc.
Classification: Likely pathogenic for Asparagine synthetase deficiency. Last evaluated: 2025-01-17. Review status: criteria provided, single submitter. Criteria: Natera Variant Classification Schema (03/2026). Collection method: clinical testing. Allele origin: germline.
Comment: The c.1137+200_1137+205del variant in ASNS is a deletion affecting an intronic region. This variant is rare in the general population with a frequency below the threshold expected for the associated phenotype(s). This variant has been observed in one or more individuals affected with the associated recessive disease, as either homozygous or compound heterozygous with a second variant (PMID: 38685113). Functional studies show that this variant may disrupt protein function (PMID: 38685113). Given the available evidence, this variant is classified as Likely Pathogenic.

Broad Center for Mendelian Genomics, Broad Institute of MIT and Harvard
Classification: Likely pathogenic for Congenital microcephaly - severe encephalopathy - progressive cerebral atrophy syndrome. Last evaluated: 2023-05-02. Review status: criteria provided, single submitter. Criteria: ACMG Guidelines, 2015. Collection method: curation. Allele origin: germline. Inheritance: Autosomal recessive inheritance.
Comment: Trio genome analysis revealed that this variant was in trans with a likely pathogenic variant. The c.1137+200_1137+205del variant in ASNS has not been previously reported in individuals with asparagine synthetase deficiency. This variant was absent from large population studies. RNAseq analysis performed on affected tissue showed evidence of altering splicing with retention of intron 9 (Broad Rare Genomes Project). This variant is located in the 5' splice region. Computational tools predict a splicing impact, though this information is not predictive enough to determine pathogenicity. In summary, although additional studies are required to fully establish its clinical significance, this variant is likely pathogenic for autosomal recessive asparagine synthetase deficiency. ACMG/AMP Criteria applied: PS3, PM2_Supporting, PM3 (Richards 2015).

Laboratory for Molecular Medicine, Mass General Brigham Personalized Medicine
Classification: Likely pathogenic for Congenital microcephaly - severe encephalopathy - progressive cerebral atrophy syndrome. Last evaluated: 2022-07-26. Review status: criteria provided, single submitter. Criteria: ACMG Guidelines, 2015. Collection method: clinical testing. Allele origin: germline. Inheritance: Autosomal recessive inheritance.
Comment: The c.1137+200_1137+205del variant in ASNS has not been reported in the literature in individuals with asparagine synthetase deficiency but was identified by the Broad Institute Rare Genomes Project in compound heterozygosity with a likely pathogenic variant in a child with Lennox-Gastaut syndrome, infantile spasms, microcephaly, hypoplasia/partial agenesis of the corpus callosum, and hypotonia. It was absent from large population studies. This variant is located in intron 9 and is distant from the splice consensus region. However, RNAseq analysis performed on a blood sample from an affected individual carrying this variant shows evidence of intron 9 retention (Broad Institute Rare Genomes Project), supporting computational predictions suggesting that this variant may create a novel splice acceptor. In summary, although additional studies are required to fully establish its clinical significance, this variant meets criteria to be classified as likely pathogenic for autosomal recessive asparagine synthetase deficiency. ACMG/AMP Criteria applied: PS3, PM3, PM2_Supporting.

Literature cited by the submitters: PubMed 38685113 (cited by Natera, Inc.).

NM_001673.5(ASNS):c.1137+200_1137+205del

Genes: ASNS (asparagine synthetase (glutamine-hydrolyzing); minus strand), CZ1P-ASNS (CZ1P-ASNS readthrough; minus strand). Cytogenetic location: 7q21.3.
Variant type: Deletion.
Coding change: c.1137+200_1137+205del on transcript NM_001673.5 (MANE Select); bases 200 to 205 of the intron after coding-DNA position 1137, 6 bases deleted (AAACTA; older notation c.1137+200_1137+205delAAACTA).
Molecular consequence: intron variant.
Genome position (GRCh38, 1-based): chr7:97,855,148-97,855,153, TAGTTT deleted on the plus strand (AAACTA on the coding strand, the reverse complement: ASNS is on the minus strand); deleting any 6 consecutive bases within chr7:97,855,148-97,855,155 gives the same sequence; the c. name uses the placement nearest the transcript's 3' end. VCF-style (leftmost placement, unchanged base first): chr7-97855147-CTAGTTT-C. GRCh37 (hg19) VCF-style: chr7-97484459-CTAGTTT-C.
Other names: NM_183356.4:c.1137+200_1137+205del; c.1137+200_1137+205del (NM_001352496.2, NM_183356.4, NM_133436.3); c.888+200_888+205del (NM_001178076.2, NM_001178077.1); c.1074+200_1074+205del (NM_001178075.2).
Identifiers: ClinVar variation 2500858 (VCV002500858.5), dbSNP rs2484640849, ClinGen allele CA2573332145.
Genomic context (GRCh38, chr7:97,855,147, plus strand): 5'-CCCACCTCAGCCTCCTCAGCAGCTGGGGGTATGAGCATGAGCCCTCATACCCAGCTGTAA[CTAGTTT>C]TAAAGAATAAAAATTATCTGACACATTAAAATTTCTTTCTTCCCCAAGAGATAGAAAGCA-3'